The following is an entry in ClinVar:

ClinVar aggregate classification (germline): Uncertain significance (1 of 4 stars; one submission).

Submission:

Labcorp Genetics (formerly Invitae), Labcorp
Classification: Uncertain significance. Last evaluated: 2022-02-17. Review status: criteria provided, single submitter. Criteria: Invitae Variant Classification Sherloc (09022015). Collection method: clinical testing. Allele origin: germline.
Comment: In summary, the available evidence is currently insufficient to determine the role of this variant in disease. Therefore, it has been classified as a Variant of Uncertain Significance. Algorithms developed to predict the effect of sequence changes on RNA splicing suggest that this variant may create or strengthen a splice site. Algorithms developed to predict the effect of missense changes on protein structure and function output the following: SIFT: "Tolerated"; PolyPhen-2: "Benign"; Align-GVGD: "Class C0". The aspartic acid amino acid residue is found in multiple mammalian species, which suggests that this missense change does not adversely affect protein function. This variant has not been reported in the literature in individuals affected with CACNA1F-related conditions. This variant is not present in population databases (gnomAD no frequency). This sequence change replaces glycine, which is neutral and non-polar, with aspartic acid, which is acidic and polar, at codon 800 of the CACNA1F protein (p.Gly800Asp).

NM_001256789.3(CACNA1F):c.2366G>A (p.Gly789Asp)

Gene: CACNA1F (calcium voltage-gated channel subunit alpha1 F; minus strand). Cytogenetic location: Xp11.23.
Variant type: single nucleotide variant.
Coding change: c.2366G>A on transcript NM_001256789.3 (MANE Select); coding-DNA position 2366, G replaced by A.
Protein change: p.Gly789Asp; replaces glycine 789 with aspartic acid.
Molecular consequence: missense variant.
Genome position (GRCh38, 1-based): chrX:49,220,493, C>T on the plus strand (G>A on the coding strand, the complement: CACNA1F is on the minus strand). VCF-style: chrX-49220493-C-T. GRCh37 (hg19) VCF-style: chrX-49076952-C-T.
Other names: c.2204G>A, p.Gly735Asp (NM_001256790.3); c.2399G>A, p.Gly800Asp (NM_005183.4); short protein forms G800D, G735D, G789D.
Identifiers: ClinVar variation 2098108 (VCV002098108.4), dbSNP rs782102814, ClinGen allele CA412908271.